The following is an entry in ClinVar:

ClinVar aggregate classification (germline): Uncertain significance. Review status: criteria provided, multiple submitters, no conflicts (2 of 4 stars). 3 submissions from 3 submitters: Uncertain significance (3). Last evaluated 2025-05-14.

Conditions:
Intellectual disability, autosomal dominant 16 (CSS4). Also called: COFFIN-SIRIS SYNDROME 4. Identifiers: Orphanet 1465, MedGen C3553249, MONDO:0013821, OMIM 614609.
Rhabdoid tumor predisposition syndrome 2 (RTPS2). Identifiers: Orphanet 231108, Orphanet 69077, MedGen C2750074, MONDO:0013224, OMIM 613325.
Hereditary cancer-predisposing syndrome. Also called: Tumor predisposition; Hereditary neoplastic syndrome; Hereditary Cancer Syndrome; Neoplastic Syndromes, Hereditary. Identifiers: Orphanet 140162, MedGen C0027672, MeSH D009386, MONDO:0015356.

Allele frequency attached by ClinVar (database versions not stated): TOPMed below 0.00001.

Submissions (3):

Ambry Genetics
Classification: Uncertain significance for Hereditary cancer-predisposing syndrome. Last evaluated: 2025-05-14. Review status: criteria provided, single submitter. Criteria: Ambry Variant Classification Scheme 2023. Collection method: clinical testing. Allele origin: germline.
Comment: The p.P1331L variant (also known as c.3992C>T), located in coding exon 28 of the SMARCA4 gene, results from a C to T substitution at nucleotide position 3992. The proline at codon 1331 is replaced by leucine, an amino acid with similar properties. This amino acid position is highly conserved in available vertebrate species. In addition, the in silico prediction for this alteration is inconclusive. Based on the available evidence, the clinical significance of this variant remains unclear.

Labcorp Genetics (formerly Invitae), Labcorp
Classification: Uncertain significance for Rhabdoid tumor predisposition syndrome 2. Last evaluated: 2025-01-12. Review status: criteria provided, single submitter. Criteria: Invitae Variant Classification Sherloc (09022015). Collection method: clinical testing. Allele origin: germline.
Comment: This sequence change replaces proline, which is neutral and non-polar, with leucine, which is neutral and non-polar, at codon 1331 of the SMARCA4 protein (p.Pro1331Leu). This variant is not present in population databases (gnomAD no frequency). This variant has not been reported in the literature in individuals affected with SMARCA4-related conditions. ClinVar contains an entry for this variant (Variation ID: 576764). Invitae Evidence Modeling of protein sequence and biophysical properties (such as structural, functional, and spatial information, amino acid conservation, physicochemical variation, residue mobility, and thermodynamic stability) has been performed for this missense variant. However, the output from this modeling did not meet the statistical confidence thresholds required to predict the impact of this variant on SMARCA4 protein function. In summary, the available evidence is currently insufficient to determine the role of this variant in disease. Therefore, it has been classified as a Variant of Uncertain Significance.

Genome-Nilou Lab
Classification: Uncertain significance for Intellectual disability, autosomal dominant 16. Last evaluated: 2021-07-15. Review status: criteria provided, single submitter. Criteria: ACMG Guidelines, 2015. Collection method: clinical testing. Allele origin: germline. Affected: no.

NM_003072.5(SMARCA4):c.3992C>T (p.Pro1331Leu)

Gene: SMARCA4 (SWI/SNF related BAF chromatin remodeling complex subunit ATPase 4; plus strand). Cytogenetic location: 19p13.2.
Variant type: single nucleotide variant.
Coding change: c.3992C>T on transcript NM_003072.5 (MANE Select); coding-DNA position 3992, C replaced by T.
Protein change: p.Pro1331Leu; replaces proline 1331 with leucine.
Molecular consequence: missense variant. On other transcripts: non-coding transcript variant (1).
Genome position (GRCh38, 1-based): chr19:11,034,954, C>T. VCF-style: chr19-11034954-C-T. GRCh37 (hg19) VCF-style: chr19-11145630-C-T.
Other names: c.3992C>T, p.Pro1331Leu (NM_001128844.3, NM_001128849.3, NM_001387283.1); c.3893C>T, p.Pro1298Leu (NM_001128845.2, NM_001128846.2, NM_001128847.4 and 2 more transcripts); short protein forms P1331L, P1298L.
Identifiers: ClinVar variation 576764 (VCV000576764.16), dbSNP rs1568514190, ClinGen allele CA404068070.